The following is an entry in ClinVar:

NM_021961.6(TEAD1):c.505T>C (p.Ser169Pro)

Gene: TEAD1 (TEA domain transcription factor 1; plus strand). Cytogenetic location: 11p15.3.
Variant type: single nucleotide variant.
Coding change: c.505T>C on transcript NM_021961.6 (MANE Select); coding-DNA position 505, T replaced by C.
Protein change: p.Ser169Pro; replaces serine 169 with proline.
Molecular consequence: missense variant.
Genome position (GRCh38, 1-based): chr11:12,881,044, T>C. VCF-style: chr11-12881044-T-C. GRCh37 (hg19) VCF-style: chr11-12902591-T-C.
Other names: short protein forms S169P.
Identifiers: ClinVar variation 1929985 (VCV001929985.5), dbSNP rs1947955713, ClinGen allele CA379712232.
Genomic context (GRCh38, chr11:12,881,044, plus strand): 5'-CCTTTGCATTTTGCCTTCCAGTTCTGGCCGGGAATGATTCAAACAGGGCAGCCAGGATCC[T>C]CACAAGAGTAAGTCTGAGGAGGGGTGGGCACTGACAACTACGGGCTGGTCCCAGCCCACG-3'
Protein context (NP_068780.2, residues 159-179): GMIQTGQPGS[Ser169Pro]QDVKPFVQQA

ClinVar aggregate classification (germline): Uncertain significance (1 of 4 stars; one submission).

Allele frequency attached by ClinVar (database versions not stated): gnomAD exomes 0.00001.
gnomAD v4.1: 7 of 1,614,124 alleles (0.00043%); highest among the groups gnomAD compares: Non-Finnish European, 0.00059%; no homozygotes.

Submission:

Labcorp Genetics (formerly Invitae), Labcorp
Classification: Uncertain significance. Last evaluated: 2023-11-19. Review status: criteria provided, single submitter. Criteria: Invitae Variant Classification Sherloc (09022015). Collection method: clinical testing. Allele origin: germline.
Comment: This sequence change replaces serine, which is neutral and polar, with proline, which is neutral and non-polar, at codon 169 of the TEAD1 protein (p.Ser169Pro). This variant is not present in population databases (gnomAD no frequency). This variant has not been reported in the literature in individuals affected with TEAD1-related conditions. ClinVar contains an entry for this variant (Variation ID: 1929985). Advanced modeling of protein sequence and biophysical properties (such as structural, functional, and spatial information, amino acid conservation, physicochemical variation, residue mobility, and thermodynamic stability) performed at Invitae indicates that this missense variant is not expected to disrupt TEAD1 protein function with a negative predictive value of 80%. In summary, the available evidence is currently insufficient to determine the role of this variant in disease. Therefore, it has been classified as a Variant of Uncertain Significance.